The following is an entry in ClinVar:

NM_005996.4(TBX3):c.658-287A>G

Gene: TBX3 (T-box transcription factor 3; minus strand). Cytogenetic location: 12q24.21.
Variant type: single nucleotide variant.
Coding change: c.658-287A>G on transcript NM_005996.4 (MANE Select); 287 bases into the intron before coding-DNA position 658, A replaced by G.
Molecular consequence: intron variant. On other transcripts: missense variant (1).
Genome position (GRCh38, 1-based): chr12:114,679,938, T>C on the plus strand (A>G on the coding strand, the complement: TBX3 is on the minus strand). VCF-style: chr12-114679938-T-C. GRCh37 (hg19) VCF-style: chr12-115117743-T-C.
Other names: c.692A>G, p.Gln231Arg (NM_016569.4); short protein forms Q231R.
Identifiers: ClinVar variation 4993933 (VCV004993933.1).

ClinVar aggregate classification (germline): Uncertain significance (1 of 4 stars; one submission).

Conditions:
TBX3-related disorder. Also called: TBX3-related condition.

Submission:

PreventionGenetics, part of Exact Sciences
Classification: Uncertain significance for TBX3-related condition. Last evaluated: 2025-09-03. Review status: criteria provided, single submitter. Criteria: ACMG Guidelines, 2015. Collection method: clinical testing. Allele origin: germline.
Comment: The TBX3 c.692A>G variant is predicted to result in the amino acid substitution p.Gln231Arg. To our knowledge, this variant has not been reported in the literature or in a large population database (gnomAD), indicating this variant is rare. At this time, the clinical significance of this variant is uncertain due to the absence of conclusive functional and genetic evidence.